The following is an entry in ClinVar:

NM_000059.4(BRCA2):c.4083G>A (p.Gln1361=)

Gene: BRCA2 (BRCA2 DNA repair associated; plus strand). Cytogenetic location: 13q13.1.
Variant type: single nucleotide variant.
Coding change: c.4083G>A on transcript NM_000059.4 (MANE Select); coding-DNA position 4083, G replaced by A.
Protein change: p.Gln1361=; no amino-acid change (glutamine 1361 retained).
Molecular consequence: synonymous variant.
Genome position (GRCh38, 1-based): chr13:32,338,438, G>A. VCF-style: chr13-32338438-G-A. GRCh37 (hg19) VCF-style: chr13-32912575-G-A.
Identifiers: ClinVar variation 386101 (VCV000386101.17), dbSNP rs1057522416, ClinGen allele CA16606785.

ClinVar aggregate classification (germline): Likely benign. Review status: criteria provided, multiple submitters, no conflicts (2 of 4 stars). 5 submissions from 5 submitters: Likely benign (5). Last evaluated 2023-01-09.

Conditions:
Hereditary breast ovarian cancer syndrome. Also called: Hereditary breast and/or ovarian cancer syndrome; Hereditary breast and ovarian cancer; Hereditary breast and ovarian cancer syndrome (HBOC); BRCA1- and BRCA2-Associated Hereditary Breast and Ovarian Cancer; Hereditary breast and ovarian cancer syndrome; Breast and ovarian cancer. Identifiers: Orphanet 145, MedGen C0677776, MeSH D061325, MONDO:0003582. Disease mechanism: loss of function.
Hereditary cancer-predisposing syndrome. Also called: Tumor predisposition; Neoplastic Syndromes, Hereditary; Hereditary neoplastic syndrome; Hereditary Cancer Syndrome. Identifiers: Orphanet 140162, MedGen C0027672, MeSH D009386, MONDO:0015356.

Allele frequency attached by ClinVar (database versions not stated): gnomAD exomes below 0.00001.
gnomAD v4.1: 3 of 1,611,394 alleles (0.00019%); highest among the groups gnomAD compares: African/African-American, 0.004%; no homozygotes.

Submissions (5):

Blueprint Genetics
Classification: Likely benign. Last evaluated: 2023-01-09. Review status: criteria provided, single submitter. Criteria: ACMG Guidelines, 2015. Collection method: clinical testing. Allele origin: germline.

Labcorp Genetics (formerly Invitae), Labcorp
Classification: Likely benign for Hereditary breast ovarian cancer syndrome. Last evaluated: 2019-08-05. Review status: criteria provided, single submitter. Criteria: Invitae Variant Classification Sherloc (09022015). Collection method: clinical testing. Allele origin: germline.

Color Diagnostics, LLC DBA Color Health
Classification: Likely benign for Hereditary cancer-predisposing syndrome. Last evaluated: 2019-01-07. Review status: criteria provided, single submitter. Criteria: ACMG Guidelines, 2015. Collection method: clinical testing. Allele origin: germline.

GeneDx
Classification: Likely benign. Last evaluated: 2018-03-15. Review status: criteria provided, single submitter. Criteria: GeneDx Variant Classification (06012015). Collection method: clinical testing. Allele origin: germline. Affected: yes.
Comment: This variant is considered likely benign or benign based on one or more of the following criteria: it is a conservative change, it occurs at a poorly conserved position in the protein, it is predicted to be benign by multiple in silico algorithms, and/or has population frequency not consistent with disease.

Ambry Genetics
Classification: Likely benign for Hereditary cancer-predisposing syndrome. Last evaluated: 2017-07-20. Review status: criteria provided, single submitter. Criteria: Ambry Variant Classification Scheme 2023. Collection method: clinical testing. Allele origin: germline.